The following is an entry in ClinVar:

NM_000051.4(ATM):c.6933T>C (p.Ile2311=)

Genes: ATM (ATM serine/threonine kinase; plus strand), C11orf65 (chromosome 11 open reading frame 65; minus strand). Cytogenetic location: 11q22.3.
Variant type: single nucleotide variant.
Coding change: c.6933T>C on transcript NM_000051.4 (MANE Select); coding-DNA position 6933, T replaced by C.
Protein change: p.Ile2311=; no amino-acid change (isoleucine 2311 retained).
Molecular consequence: synonymous variant. On other transcripts: intron variant (2).
Genome position (GRCh38, 1-based): chr11:108,326,183, T>C. VCF-style: chr11-108326183-T-C. GRCh37 (hg19) VCF-style: chr11-108196910-T-C.
Other names: c.6933T>C, p.Ile2311= (NM_001351834.2); c.641-17112A>G (NM_001330368.2); c.*38+9037A>G (NM_001351110.2).
Identifiers: ClinVar variation 3253741 (VCV003253741.1), dbSNP rs2136337998.

ClinVar aggregate classification (germline): Benign (1 of 4 stars; one submission).

Conditions:
Familial cancer of breast. Also called: hereditary breast carcinoma; BREAST CANCER, FAMILIAL; Hereditary breast cancer. Identifiers: Orphanet 227535, MedGen C0346153, MONDO:0016419, OMIM 114480. Disease mechanism: loss of function.

Submission:

Myriad Genetics, Inc.
Classification: Benign for Familial cancer of breast. Last evaluated: 2024-06-12. Review status: criteria provided, single submitter. Criteria: Myriad Autosomal Dominant, Autosomal Recessive and X-Linked Classification Criteria (2023). Collection method: clinical testing. Allele origin: unknown.
Comment: This variant is considered benign. This variant is a silent/synonymous amino acid change and it is not expected to impact splicing.